The following is an entry in ClinVar:

ClinVar aggregate classification (germline): Likely benign (1 of 4 stars; one submission).

gnomAD v4.1: 56 of 1,241,284 alleles (0.0045%); highest among the groups gnomAD compares: South Asian, 0.04%; 1 homozygote.

Submission:

CeGaT Center for Human Genetics Tuebingen
Classification: Likely benign. Last evaluated: 2025-10-01. Review status: criteria provided, single submitter. Criteria: CeGaT Center For Human Genetics Tuebingen Variant Classification Criteria Version 2. Collection method: clinical testing. Allele origin: germline. Affected: yes. Observed: 1 variant allele.
Comment: FBRSL1: BS2

NM_001382741.1(FBRSL1):c.761C>G (p.Pro254Arg)

Gene: FBRSL1 (fibrosin like 1; plus strand). Cytogenetic location: 12q24.33.
Variant type: single nucleotide variant.
Coding change: c.761C>G on transcript NM_001382741.1 (MANE Plus Clinical); coding-DNA position 761, C replaced by G.
Protein change: p.Pro254Arg; replaces proline 254 with arginine.
Molecular consequence: missense variant. On other transcripts: non-coding transcript variant (1), intron variant (5).
Genome position (GRCh38, 1-based): chr12:132,509,437, C>G. VCF-style: chr12-132509437-C-G. GRCh37 (hg19) VCF-style: chr12-133086023-C-G.
Other names: c.464C>G, p.Pro155Arg (NM_001382742.1); c.489+1087C>G (NM_001367871.1, NM_001382739.1, NM_001142641.2 and 2 more transcripts); short protein forms P155R, P254R.
Identifiers: ClinVar variation 4534289 (VCV004534289.6).